The following is an entry in ClinVar:

NM_000465.4(BARD1):c.1333G>T (p.Glu445Ter)

Gene: BARD1 (BRCA1 associated RING domain 1; minus strand). Cytogenetic location: 2q35.
Variant type: single nucleotide variant.
Coding change: c.1333G>T on transcript NM_000465.4 (MANE Select); coding-DNA position 1333, G replaced by T.
Protein change: p.Glu445Ter; replaces glutamic acid 445 with a stop codon.
Molecular consequence: nonsense. On other transcripts: non-coding transcript variant (3), intron variant (3).
Genome position (GRCh38, 1-based): chr2:214,769,294, C>A on the plus strand (G>T on the coding strand, the complement: BARD1 is on the minus strand). VCF-style: chr2-214769294-C-A. GRCh37 (hg19) VCF-style: chr2-215634018-C-A.
Other names: c.1276G>T, p.Glu426Ter (NM_001282543.2); c.159-16739G>T (NM_001282548.2); c.216-16739G>T (NM_001282545.2); c.364+23003G>T (NM_001282549.2); short protein forms E426*, E445*.
Identifiers: ClinVar variation 4851783 (VCV004851783.1).

ClinVar aggregate classification (germline): Likely pathogenic (1 of 4 stars; one submission).

Submission:

Dasa
Classification: Likely pathogenic. Last evaluated: 2025-12-22. Review status: criteria provided, single submitter. Criteria: DASA Assertion Criteria. Collection method: clinical testing. Allele origin: germline.
Comment: NM_000465.4(BARD1):c.1333G>T (p.Glu445*) introduces a premature termination codon predicted to result in loss of normal protein function. Loss-of-function is an established mechanism of disease for this gene. The variant is present at low frequency in population datasets. Based on the available data, this variant is classified as likely pathogenic.